The following is an entry in ClinVar:

ClinVar aggregate classification (germline): Uncertain significance (1 of 4 stars; one submission).

Allele frequency attached by ClinVar (database versions not stated): gnomAD exomes below 0.00001; gnomAD 0.00006; TOPMed 0.00006.
gnomAD v4.1: 14 of 1,551,508 alleles (0.0009%); highest among the groups gnomAD compares: Admixed American, 0.02%; no homozygotes.

Submission:

Labcorp Genetics (formerly Invitae), Labcorp
Classification: Uncertain significance. Last evaluated: 2024-10-30. Review status: criteria provided, single submitter. Criteria: Invitae Variant Classification Sherloc (09022015). Collection method: clinical testing. Allele origin: germline.
Comment: This sequence change replaces valine, which is neutral and non-polar, with isoleucine, which is neutral and non-polar, at codon 311 of the ZSWIM6 protein (p.Val311Ile). This variant is present in population databases (no rsID available, gnomAD 0.008%). This variant has not been reported in the literature in individuals affected with ZSWIM6-related conditions. ClinVar contains an entry for this variant (Variation ID: 2722600). Invitae Evidence Modeling of protein sequence and biophysical properties (such as structural, functional, and spatial information, amino acid conservation, physicochemical variation, residue mobility, and thermodynamic stability) indicates that this missense variant is not expected to disrupt ZSWIM6 protein function with a negative predictive value of 80%. In summary, the available evidence is currently insufficient to determine the role of this variant in disease. Therefore, it has been classified as a Variant of Uncertain Significance.

NM_020928.2(ZSWIM6):c.931G>A (p.Val311Ile)

Gene: ZSWIM6 (zinc finger SWIM-type containing 6; plus strand). Cytogenetic location: 5q12.1.
Variant type: single nucleotide variant.
Coding change: c.931G>A on transcript NM_020928.2 (MANE Select); coding-DNA position 931, G replaced by A.
Protein change: p.Val311Ile; replaces valine 311 with isoleucine.
Molecular consequence: missense variant.
Genome position (GRCh38, 1-based): chr5:61,472,935, G>A. VCF-style: chr5-61472935-G-A. GRCh37 (hg19) VCF-style: chr5-60768762-G-A.
Other names: short protein forms V311I.
Identifiers: ClinVar variation 2722600 (VCV002722600.3), dbSNP rs1162324565, ClinGen allele CA359941813.
Genomic context (GRCh38, chr5:61,472,935, plus strand): 5'-CTGCATCTTCCTATTTCAGAGACTCTCTTTCAAATGAATAGAGACCAACTGCAAAAGTTT[G>A]TACAGTATTTGATCACAGTGCACCACACAGAAGTTTTGCCAACTGCTCAAAAATTAGCAG-3'
Protein context (NP_065979.1, residues 301-321): QMNRDQLQKF[Val311Ile]QYLITVHHTE